The following is an entry in ClinVar:

NM_000264.5(PTCH1):c.3191C>T (p.Thr1064Met)

Gene: PTCH1 (patched 1; minus strand). Cytogenetic location: 9q22.32.
Variant type: single nucleotide variant.
Coding change: c.3191C>T on transcript NM_000264.5 (MANE Select); coding-DNA position 3191, C replaced by T.
Protein change: p.Thr1064Met; replaces threonine 1064 with methionine.
Molecular consequence: missense variant. On other transcripts: non-coding transcript variant (1).
Genome position (GRCh38, 1-based): chr9:95,456,391, G>A on the plus strand (C>T on the coding strand, the complement: PTCH1 is on the minus strand). VCF-style: chr9-95456391-G-A. GRCh37 (hg19) VCF-style: chr9-98218673-G-A.
Other names: c.2993C>T, p.Thr998Met (NM_001083602.3); c.3188C>T, p.Thr1063Met (NM_001083603.3); c.2738C>T, p.Thr913Met (NM_001083604.3, NM_001083605.3, NM_001083606.3 and 1 more transcripts); c.3035C>T, p.Thr1012Met (NM_001354918.2); c.3191C>T (NM_000264.4); short protein forms T998M, T1064M, T1063M, T913M, T1012M.
Identifiers: ClinVar variation 221931 (VCV000221931.19), dbSNP rs368417828, ClinGen allele CA071573.

ClinVar aggregate classification (germline): Conflicting classifications of pathogenicity. Review status: criteria provided, conflicting classifications (1 of 4 stars). 6 submissions from 6 submitters: Likely pathogenic (1); Likely benign (4). 1 of the submissions does not count toward it. Last evaluated 2026-02-03.

Conditions:
Hereditary cancer-predisposing syndrome. Also called: Tumor predisposition; Hereditary neoplastic syndrome; Neoplastic Syndromes, Hereditary; Hereditary Cancer Syndrome. Identifiers: Orphanet 140162, MedGen C0027672, MeSH D009386, MONDO:0015356.
Anophthalmia-microphthalmia syndrome. Also called: Anophthalmia/Microphthalmia; Anophthalmia - microphthalmia. Identifiers: Orphanet 98555, MedGen C5680330, MONDO:0020147.
Gorlin syndrome. Also called: Nevoid Basal Cell Carcinoma Syndrome; Basal cell nevus syndrome. Identifiers: Orphanet 377, MedGen C0004779, MONDO:0007187.
PTCH1-related disorder. Also called: PTCH1-related disorders; PTCH1-related condition.

Allele frequency attached by ClinVar (database versions not stated): gnomAD exomes 0.00004 and 0.00012; ExAC 0.00009; ESP Exome Variant Server 0.00015; gnomAD 0.00019 and 0.00020; TOPMed 0.00020.
gnomAD v4.1: 83 of 1,613,828 alleles (0.0051%); highest among the groups gnomAD compares: African/African-American, 0.053%; no homozygotes.

Submissions (6):

Labcorp Genetics (formerly Invitae), Labcorp
Classification: Likely benign for Gorlin syndrome. Last evaluated: 2026-02-03. Review status: criteria provided, single submitter. Criteria: Invitae Variant Classification Sherloc (09022015). Collection method: clinical testing. Allele origin: germline.

Quest Diagnostics Nichols Institute San Juan Capistrano
Classification: Likely benign. Last evaluated: 2023-09-01. Review status: criteria provided, single submitter. Criteria: Quest Diagnostics criteria. Collection method: clinical testing. Allele origin: unknown.

Sema4
Classification: Likely benign for Hereditary cancer-predisposing syndrome. Last evaluated: 2020-12-01. Review status: criteria provided, single submitter. Criteria: Sema4 Curation Guidelines. Collection method: curation. Allele origin: germline.

Ambry Genetics
Classification: Likely benign for Hereditary cancer-predisposing syndrome. Last evaluated: 2020-01-10. Review status: criteria provided, single submitter. Criteria: Ambry Variant Classification Scheme 2023. Collection method: clinical testing. Allele origin: germline.

Paul Sabatier University EA-4555, Paul Sabatier University
Classification: Likely pathogenic. Last evaluated: 2013-01-01. Review status: criteria provided, single submitter. Criteria: Chassaing et al. (Genome Res. 2016). Collection method: clinical testing, research. Allele origin: inherited, paternal. Inheritance: Autosomal dominant inheritance. Affected: yes. Observed: 1 heterozygote. Functional consequence: loss_of_function_variant.
Comment: rare variant, functional studies demonstrating is deleterious effect on protein.

PreventionGenetics, part of Exact Sciences
Classification: Likely benign for PTCH1-related condition. Last evaluated: 2023-01-27. Review status: no assertion criteria provided. Collection method: clinical testing. Allele origin: germline. Not counted in ClinVar's aggregate classification.
Comment: This variant is classified as likely benign based on ACMG/AMP sequence variant interpretation guidelines (Richards et al. 2015 PMID: 25741868, with internal and published modifications).

Literature cited by the submitters: PubMed 26893459 (cited by 3 submitters); PubMed 26802149 (cited by Quest Diagnostics Nichols Institute San Juan Capistrano and Ambry Genetics); PubMed 25567908 (cited by Quest Diagnostics Nichols Institute San Juan Capistrano and Ambry Genetics).